The following is an entry in ClinVar:

NM_024928.5(STN1):c.469G>T (p.Asp157Tyr)

Gene: STN1 (STN1 subunit of CST complex; minus strand). Cytogenetic location: 10q24.33.
Variant type: single nucleotide variant.
Coding change: c.469G>T on transcript NM_024928.5 (MANE Select); coding-DNA position 469, G replaced by T.
Protein change: p.Asp157Tyr; replaces aspartic acid 157 with tyrosine.
Molecular consequence: missense variant.
Genome position (GRCh38, 1-based): chr10:103,898,989, C>A on the plus strand (G>T on the coding strand, the complement: STN1 is on the minus strand). VCF-style: chr10-103898989-C-A. GRCh37 (hg19) VCF-style: chr10-105658747-C-A.
Other names: short protein forms D157Y.
Identifiers: ClinVar variation 375592 (VCV000375592.3), dbSNP rs765462548, ClinGen allele CA5676602.

ClinVar aggregate classification (germline): Uncertain significance. Review status: criteria provided, single submitter (1 of 4 stars). 2 submissions from 2 submitters: Uncertain significance (1). 1 of the submissions does not count toward it. Last evaluated 2024-04-25.

Conditions:
Cerebroretinal microangiopathy with calcifications and cysts 2 (CRMCC2). Identifiers: MedGen C4479220, MONDO:0015026, OMIM 617341.

gnomAD v4.1: 2 of 1,613,996 alleles (0.00012%); highest among the groups gnomAD compares: Admixed American, 0.0033%; no homozygotes.

Submissions (2):

Labcorp Genetics (formerly Invitae), Labcorp
Classification: Uncertain significance. Last evaluated: 2024-04-25. Review status: criteria provided, single submitter. Criteria: Invitae Variant Classification Sherloc (09022015). Collection method: clinical testing. Allele origin: germline.
Comment: This sequence change replaces aspartic acid, which is acidic and polar, with tyrosine, which is neutral and polar, at codon 157 of the STN1 protein (p.Asp157Tyr). This variant is present in population databases (rs765462548, gnomAD 0.003%). This missense change has been observed in individual(s) with Coats plus syndrome and/or primary immunodeficiency (PMID: 27432940, 32135276). ClinVar contains an entry for this variant (Variation ID: 375592). Advanced modeling of protein sequence and biophysical properties (such as structural, functional, and spatial information, amino acid conservation, physicochemical variation, residue mobility, and thermodynamic stability) performed at Invitae indicates that this missense variant is expected to disrupt STN1 protein function with a positive predictive value of 80%. Experimental studies have shown that this missense change affects STN1 function (PMID: 28934486). In summary, the available evidence is currently insufficient to determine the role of this variant in disease. Therefore, it has been classified as a Variant of Uncertain Significance.

OMIM
Classification: Pathogenic for CEREBRORETINAL MICROANGIOPATHY WITH CALCIFICATIONS AND CYSTS 2. Last evaluated: 2017-02-10. Review status: no assertion criteria provided. Collection method: literature only. Allele origin: germline. Not counted in ClinVar's aggregate classification.

Literature cited by the submitters: PubMed 27432940 (cited by Labcorp Genetics (formerly Invitae), Labcorp and OMIM); PubMed 32135276 (cited by Labcorp Genetics (formerly Invitae), Labcorp); PubMed 28934486 (cited by Labcorp Genetics (formerly Invitae), Labcorp).